The following is an entry in ClinVar:

NM_004933.3(CDH15):c.1095T>C (p.His365=)

Gene: CDH15 (cadherin 15; plus strand). Cytogenetic location: 16q24.3.
Variant type: single nucleotide variant.
Coding change: c.1095T>C on transcript NM_004933.3 (MANE Select); coding-DNA position 1095, T replaced by C.
Protein change: p.His365=; no amino-acid change (histidine 365 retained).
Molecular consequence: synonymous variant.
Genome position (GRCh38, 1-based): chr16:89,190,359, T>C. VCF-style: chr16-89190359-T-C. GRCh37 (hg19) VCF-style: chr16-89256767-T-C.
Identifiers: ClinVar variation 717425 (VCV000717425.25), dbSNP rs144870071, ClinGen allele CA8239144.

ClinVar aggregate classification (germline): Benign/Likely benign. Review status: criteria provided, multiple submitters, no conflicts (2 of 4 stars). 4 submissions from 4 submitters: Benign (2); Likely benign (1). 1 of the submissions does not count toward it. Last evaluated 2024-05-01.

Conditions:
CDH15-related disorder. Also called: CDH15-related condition.

Allele frequency attached by ClinVar (database versions not stated): gnomAD exomes 0.00021 and 0.00043; ExAC 0.00049; 1000 Genomes Project 0.00060; 1000 Genomes Project 30x 0.00062; gnomAD 0.00153 and 0.00162; ESP Exome Variant Server 0.00154; TOPMed 0.00184.
gnomAD v4.1: 548 of 1,612,862 alleles (0.034%); highest among the groups gnomAD compares: African/African-American, 0.56%; no homozygotes.

Submissions (4):

CeGaT Center for Human Genetics Tuebingen
Classification: Likely benign. Last evaluated: 2024-05-01. Review status: criteria provided, single submitter. Criteria: CeGaT Center For Human Genetics Tuebingen Variant Classification Criteria Version 2. Collection method: clinical testing. Allele origin: germline. Affected: yes. Observed: 1 variant allele.
Comment: CDH15: BP4, BP7

Labcorp Genetics (formerly Invitae), Labcorp
Classification: Benign. Last evaluated: 2019-12-31. Review status: criteria provided, single submitter. Criteria: Invitae Variant Classification Sherloc (09022015). Collection method: clinical testing. Allele origin: germline.

Breakthrough Genomics
Classification: Benign. Review status: criteria provided, single submitter. Criteria: ACMG Guidelines, 2015. Collection method: not provided. Allele origin: germline. Inheritance: Autosomal dominant inheritance. Affected: yes.

PreventionGenetics, part of Exact Sciences
Classification: Likely benign for CDH15-related condition. Last evaluated: 2019-12-06. Review status: no assertion criteria provided. Collection method: clinical testing. Allele origin: germline. Not counted in ClinVar's aggregate classification.
Comment: This variant is classified as likely benign based on ACMG/AMP sequence variant interpretation guidelines (Richards et al. 2015 PMID: 25741868, with internal and published modifications).